The following is an entry in ClinVar:

NM_020859.4(SHROOM3):c.836G>C (p.Gly279Ala)

Genes: SHROOM3 (shroom family member 3; plus strand), SHROOM3-AS1 (SHROOM3 antisense RNA 1; minus strand). Cytogenetic location: 4q21.1.
Variant type: single nucleotide variant.
Coding change: c.836G>C on transcript NM_020859.4 (MANE Select); coding-DNA position 836, G replaced by C.
Protein change: p.Gly279Ala; replaces glycine 279 with alanine.
Molecular consequence: missense variant.
Genome position (GRCh38, 1-based): chr4:76,739,009, G>C. VCF-style: chr4-76739009-G-C. GRCh37 (hg19) VCF-style: chr4-77660162-G-C.
Other names: short protein forms G279A.
Identifiers: ClinVar variation 403437 (VCV000403437.8), dbSNP rs344140, ClinGen allele CA2972233.

ClinVar aggregate classification (germline): Benign. Review status: criteria provided, multiple submitters, no conflicts (2 of 4 stars). 4 submissions from 4 submitters: Benign (3). 1 of the submissions does not count toward it. Last evaluated 2018-11-12.

Conditions:
SHROOM3-related disorder. Also called: SHROOM3-related condition.

Allele frequency attached by ClinVar (database versions not stated): 1000 Genomes Project 30x 0.66006; 1000 Genomes Project 0.66494; TOPMed 0.70584; ESP Exome Variant Server 0.70990; ExAC 0.71596; gnomAD exomes 0.71786 and 0.74020.
gnomAD v4.1: 1,188,646 of 1,613,912 alleles (74%); highest among the groups gnomAD compares: Non-Finnish European, 76%; 440,353 homozygotes.

Submissions (4):

GeneDx
Classification: Benign. Last evaluated: 2018-11-12. Review status: criteria provided, single submitter. Criteria: GeneDx Variant Classification Process June 2021. Collection method: clinical testing. Allele origin: germline. Affected: yes.

Laboratory for Molecular Medicine, Mass General Brigham Personalized Medicine
Classification: Benign. Last evaluated: 2016-03-29. Review status: criteria provided, single submitter. Criteria: LMM Criteria. Collection method: clinical testing. Allele origin: germline.
Comment: Variant identified in a genome or exome case(s) and assessed due to predicted null impact of the variant or pathogenic assertions in the literature or databases. Disclaimer: This variant has not undergone full assessment. The following are preliminary notes: Frequency

Breakthrough Genomics
Classification: Benign. Review status: criteria provided, single submitter. Criteria: ACMG Guidelines, 2015. Collection method: not provided. Allele origin: germline. Inheritance: Unknown mechanism. Affected: yes.

PreventionGenetics, part of Exact Sciences
Classification: Benign for SHROOM3-related condition. Last evaluated: 2019-03-18. Review status: no assertion criteria provided. Collection method: clinical testing. Allele origin: germline. Not counted in ClinVar's aggregate classification.
Comment: This variant is classified as benign based on ACMG/AMP sequence variant interpretation guidelines (Richards et al. 2015 PMID: 25741868, with internal and published modifications).